The following is an entry in ClinVar:

ClinVar aggregate classification (germline): Conflicting classifications of pathogenicity. Review status: criteria provided, conflicting classifications (1 of 4 stars). 3 submissions from 3 submitters: Uncertain significance (1); Benign (1); Likely benign (1). Last evaluated 2026-04-01.

Allele frequency attached by ClinVar (database versions not stated): TOPMed 0.00025; 1000 Genomes Project 0.00060; 1000 Genomes Project 30x 0.00062.
gnomAD v4.1: 343 of 1,613,374 alleles (0.021%); highest among the groups gnomAD compares: Admixed American, 0.21%; 1 homozygote.

Submissions (3):

CeGaT Center for Human Genetics Tuebingen
Classification: Likely benign. Last evaluated: 2026-04-01. Review status: criteria provided, single submitter. Criteria: CeGaT Center For Human Genetics Tuebingen Variant Classification Criteria Version 2. Collection method: clinical testing. Allele origin: germline. Affected: yes. Observed: 2 variant alleles.
Comment: CUL7: BP4, BP7

Labcorp Genetics (formerly Invitae), Labcorp
Classification: Benign. Last evaluated: 2026-01-29. Review status: criteria provided, single submitter. Criteria: Invitae Variant Classification Sherloc (09022015). Collection method: clinical testing. Allele origin: germline.

Eurofins Ntd Llc (ga)
Classification: Uncertain significance. Last evaluated: 2015-08-20. Review status: criteria provided, single submitter. Criteria: EGL Classification Definitions 2015. Collection method: clinical testing. Allele origin: germline. Observed: 1 variant allele, 1 heterozygote.

NM_014780.5(CUL7):c.2229C>G (p.Ala743=)

Gene: CUL7 (cullin 7; minus strand). Cytogenetic location: 6p21.1.
Variant type: single nucleotide variant.
Coding change: c.2229C>G on transcript NM_014780.5 (MANE Select); coding-DNA position 2229, C replaced by G.
Protein change: p.Ala743=; no amino-acid change (alanine 743 retained).
Molecular consequence: synonymous variant.
Genome position (GRCh38, 1-based): chr6:43,047,048, G>C on the plus strand (C>G on the coding strand, the complement: CUL7 is on the minus strand). VCF-style: chr6-43047048-G-C. GRCh37 (hg19) VCF-style: chr6-43014786-G-C.
Other names: c.2325C>G, p.Ala775= (NM_001168370.2, NM_001374872.1); c.2229C>G, p.Ala743= (NM_001374873.1, NM_001374874.1).
Identifiers: ClinVar variation 282216 (VCV000282216.38), dbSNP rs188565648, ClinGen allele CA3813943.